The following is an entry in ClinVar:

ClinVar aggregate classification (germline): Uncertain significance (1 of 4 stars; one submission).

Conditions:
Chuvash polycythemia. Also called: POLYCYTHEMIA, VHL-DEPENDENT. Identifiers: Orphanet 238557, MedGen C1837915, MONDO:0009892, OMIM 263400.
Von Hippel-Lindau syndrome (VHLS). Also called: VHL syndrome; Von Hippel-Lindau; von Hippel–Lindau syndrome. Identifiers: Orphanet 892, MedGen C0019562, MONDO:0008667, OMIM 193300. Disease mechanism: loss of function.

Submission:

Labcorp Genetics (formerly Invitae), Labcorp
Classification: Uncertain significance for Von Hippel-Lindau syndrome; Chuvash polycythemia. Last evaluated: 2023-12-19. Review status: criteria provided, single submitter. Criteria: Invitae Variant Classification Sherloc (09022015). Collection method: clinical testing. Allele origin: unknown.
Comment: A copy number gain of the genomic region encompassing the full coding sequence of the VHL gene has been identified. The boundaries of this event are unknown as they extend beyond the assayed region for this gene and therefore may encompass additional genes. As the precise location of this event is unknown, it may be in tandem or it may be located elsewhere in the genome. This variant has not been reported in the literature in individuals affected with VHL-related conditions. In summary, the available evidence is currently insufficient to determine the role of this variant in disease. Therefore, it has been classified as a Variant of Uncertain Significance.

NC_000003.11:g.(?_10183471)_(10191719_?)dup

Gene: VHL (von Hippel-Lindau tumor suppressor; plus strand). Cytogenetic location: 3p25.3.
Variant type: Duplication.
Identifiers: ClinVar variation 3246837 (VCV003246837.1).